The following is an entry in ClinVar:

ClinVar aggregate classification (germline): Uncertain significance (1 of 4 stars; one submission).

Conditions:
Combined deficiency of sialidase AND beta galactosidase (GSL). Also called: NEURAMINIDASE DEFICIENCY WITH BETA-GALACTOSIDASE DEFICIENCY; NEURAMINIDASE/BETA-GALACTOSIDASE EXPRESSION; CATHEPSIN A DEFICIENCY; GOLDBERG SYNDROME; PPCA DEFICIENCY; PROTECTIVE PROTEIN/CATHEPSIN A DEFICIENCY. Identifiers: Orphanet 351, MedGen C0268233, MONDO:0009737, OMIM 256540.

Allele frequency attached by ClinVar (database versions not stated): gnomAD 0.00001; gnomAD exomes 0.00001; TOPMed 0.00001.

Submission:

Labcorp Genetics (formerly Invitae), Labcorp
Classification: Uncertain significance for Combined deficiency of sialidase AND beta galactosidase. Last evaluated: 2022-08-28. Review status: criteria provided, single submitter. Criteria: Invitae Variant Classification Sherloc (09022015). Collection method: clinical testing. Allele origin: germline.
Comment: This sequence change falls in intron 2 of the CTSA gene. It does not directly change the encoded amino acid sequence of the CTSA protein. This variant is not present in population databases (gnomAD no frequency). This variant has not been reported in the literature in individuals affected with CTSA-related conditions. Algorithms developed to predict the effect of sequence changes on RNA splicing suggest that this variant may disrupt the consensus splice site. In summary, the available evidence is currently insufficient to determine the role of this variant in disease. Therefore, it has been classified as a Variant of Uncertain Significance.

NM_000308.4(CTSA):c.195-12C>G

Gene: CTSA (cathepsin A; plus strand). Cytogenetic location: 20q13.12.
Variant type: single nucleotide variant.
Coding change: c.195-12C>G on transcript NM_000308.4 (MANE Select); 12 bases into the intron before coding-DNA position 195, C replaced by G.
Molecular consequence: intron variant.
Genome position (GRCh38, 1-based): chr20:45,891,904, C>G. VCF-style: chr20-45891904-C-G. GRCh37 (hg19) VCF-style: chr20-44520543-C-G.
Other names: c.195-12C>G (NM_001127695.3, NM_001167594.3).
Identifiers: ClinVar variation 1979705 (VCV001979705.1), dbSNP rs1210964809, ClinGen allele CA744831341.